The following is an entry in ClinVar:

NM_182961.4(SYNE1):c.5101-169G>A

Gene: SYNE1 (spectrin repeat containing nuclear envelope protein 1; minus strand). Cytogenetic location: 6q25.2.
Variant type: single nucleotide variant.
Coding change: c.5101-169G>A on transcript NM_182961.4 (MANE Select); 169 bases into the intron before coding-DNA position 5101, G replaced by A.
Molecular consequence: intron variant.
Genome position (GRCh38, 1-based): chr6:152,425,716, C>T on the plus strand (G>A on the coding strand, the complement: SYNE1 is on the minus strand). VCF-style: chr6-152425716-C-T. GRCh37 (hg19) VCF-style: chr6-152746851-C-T.
Other names: c.5122-169G>A (NM_033071.5).
Identifiers: ClinVar variation 670641 (VCV000670641.2), dbSNP rs13191697, ClinGen allele CA150215715.

ClinVar aggregate classification (germline): Likely benign. Review status: criteria provided, multiple submitters, no conflicts (2 of 4 stars). 2 submissions from 2 submitters: Likely benign (2). Last evaluated 2018-06-14.

Allele frequency attached by ClinVar (database versions not stated): 1000 Genomes Project 0.01058; 1000 Genomes Project 30x 0.01093; TOPMed 0.01994.
gnomAD v4.1: 3,006 of 152,230 alleles (2%); highest among the groups gnomAD compares: Non-Finnish European, 3.3%; 52 homozygotes.

Submissions (2):

GeneDx
Classification: Likely benign. Last evaluated: 2018-06-14. Review status: criteria provided, single submitter. Criteria: GeneDx Variant Classification (06012015). Collection method: clinical testing. Allele origin: germline. Affected: yes.
Comment: This variant is considered likely benign or benign based on one or more of the following criteria: it is a conservative change, it occurs at a poorly conserved position in the protein, it is predicted to be benign by multiple in silico algorithms, and/or has population frequency not consistent with disease.

Breakthrough Genomics
Classification: Likely benign. Review status: criteria provided, single submitter. Criteria: ACMG Guidelines, 2015. Collection method: not provided. Allele origin: germline. Inheritance: Autosomal recessive inheritance. Affected: yes.